The following is an entry in ClinVar:

NM_031443.4(CCM2):c.169_172del (p.Arg57fs)

Gene: CCM2 (CCM2 scaffold protein; plus strand). Cytogenetic location: 7p13.
Variant type: Microsatellite.
Coding change: c.169_172del on transcript NM_031443.4 (MANE Select); coding-DNA positions 169 to 172, 4 bases deleted (AGAC; older notation c.169_172delAGAC).
Protein change: p.Arg57fs; shifts the reading frame from arginine 57.
Molecular consequence: frameshift variant. On other transcripts: non-coding transcript variant (1), intron variant (2).
Genome position (GRCh38, 1-based): chr7:45,038,391-45,038,394, AGAC deleted; deleting any 4 consecutive bases within chr7:45,038,386-45,038,394 gives the same sequence; the c. name uses the placement nearest the transcript's 3' end. VCF-style (leftmost placement, unchanged base first): chr7-45038385-CCAGA-C. GRCh37 (hg19) VCF-style: chr7-45077984-CCAGA-C.
Other names: 4-BP DEL, NT169; c.169_172delAGAC (NM_031443.3); c.232_235del, p.Arg78fs (NM_001029835.2); c.169_172del, p.Arg57fs (NM_001167935.2, NM_001363458.2); c.31-25527_31-25524del (NM_001363459.2, NM_001167934.2); short protein forms R78fs, R57fs.
Identifiers: ClinVar variation 590649 (VCV000590649.45), dbSNP rs1562882045, ClinGen allele CA891862758.

ClinVar aggregate classification (germline): Pathogenic. Review status: criteria provided, multiple submitters, no conflicts (2 of 4 stars). 5 submissions from 5 submitters: Pathogenic (4). 1 of the submissions does not count toward it. Last evaluated 2022-04-21.

Conditions:
Cerebral cavernous malformation 2. Also called: Familial Cerebral Cavernous Malformation 2. Identifiers: Orphanet 221061, MedGen C1864041, MONDO:0011304, OMIM 603284.

Submissions (5):

Labcorp Genetics (formerly Invitae), Labcorp
Classification: Pathogenic for Cerebral cavernous malformation 2. Last evaluated: 2022-04-21. Review status: criteria provided, single submitter. Criteria: Invitae Variant Classification Sherloc (09022015). Collection method: clinical testing. Allele origin: germline.
Comment: Algorithms developed to predict the effect of sequence changes on RNA splicing suggest that this variant may disrupt the consensus splice site. For these reasons, this variant has been classified as Pathogenic. ClinVar contains an entry for this variant (Variation ID: 590649). This sequence change creates a premature translational stop signal (p.Arg57Cysfs*2) in the CCM2 gene. It is expected to result in an absent or disrupted protein product. Loss-of-function variants in CCM2 are known to be pathogenic (PMID: 18300272, 24689081). This variant is not present in population databases (gnomAD no frequency). This premature translational stop signal has been observed in individual(s) with CCM2-related conditions (PMID: 14624391).

CeGaT Center for Human Genetics Tuebingen
Classification: Pathogenic. Last evaluated: 2021-02-01. Review status: criteria provided, single submitter. Criteria: CeGaT Center For Human Genetics Tuebingen Variant Classification Criteria Version 2. Collection method: clinical testing. Allele origin: germline. Affected: yes. Observed: 1 variant allele.

PreventionGenetics, part of Exact Sciences
Classification: Pathogenic. Last evaluated: 2017-06-26. Review status: criteria provided, single submitter. Criteria: ACMG Guidelines, 2015. Collection method: clinical testing. Allele origin: germline.

Seattle Children's Hospital Molecular Genetics Laboratory, Seattle Children's Hospital
Classification: Pathogenic for Cerebral cavernous malformation 2. Review status: criteria provided, single submitter. Criteria: ACMG Guidelines, 2015. Collection method: clinical testing. Allele origin: somatic. Inheritance: Somatic mutation. Affected: yes.
Comment: The variant in the CCM2 gene is a deletion of four nucleotides, resulting in a frameshift at position 57 of the CCM2 protein and a premature termination codon two amino acids downstream of this alteration. This variant has been previously reported in the medical literature and in patient databases among heterozygous individuals with cerebral cavernous malformations (CCMs) (PMID: 14624391). The p.Arg57Cysfs*2 variant is absent from the general population (gnomAD v2.1.1). Frameshift variants within exon 2 of CCM2 are known to be pathogenic (PMID: 14624391).

OMIM
Classification: Pathogenic for CEREBRAL CAVERNOUS MALFORMATIONS 2. Last evaluated: 2003-12-01. Review status: no assertion criteria provided. Collection method: literature only. Allele origin: germline. Not counted in ClinVar's aggregate classification.

Literature cited by the submitters: PubMed 18300272 (cited by Labcorp Genetics (formerly Invitae), Labcorp); PubMed 24689081 (cited by Labcorp Genetics (formerly Invitae), Labcorp); PubMed 14624391 (cited by 3 submitters).